The following is an entry in ClinVar:

NM_178452.6(DNAAF1):c.2155T>C (p.Phe719Leu)

Gene: DNAAF1 (dynein axonemal assembly factor 1; plus strand). Cytogenetic location: 16q24.1.
Variant type: single nucleotide variant.
Coding change: c.2155T>C on transcript NM_178452.6 (MANE Select); coding-DNA position 2155, T replaced by C.
Protein change: p.Phe719Leu; replaces phenylalanine 719 with leucine.
Molecular consequence: missense variant.
Genome position (GRCh38, 1-based): chr16:84,177,818, T>C. VCF-style: chr16-84177818-T-C. GRCh37 (hg19) VCF-style: chr16-84211424-T-C.
Other names: c.1447T>C, p.Phe483Leu (NM_001318756.1); short protein forms F483L, F719L.
Identifiers: ClinVar variation 846924 (VCV000846924.15), dbSNP rs201263027, ClinGen allele CA8203187.

ClinVar aggregate classification (germline): Uncertain significance. Review status: criteria provided, multiple submitters, no conflicts (2 of 4 stars). 4 submissions from 4 submitters: Uncertain significance (4). Last evaluated 2025-11-20.

Conditions:
Primary ciliary dyskinesia. Also called: Ciliary dyskinesia. Identifiers: Orphanet 244, MedGen C0008780, MONDO:0016575, HP:0012265.
Primary ciliary dyskinesia 13. Also called: CILIARY DYSKINESIA, PRIMARY, 13, WITH OR WITHOUT SITUS INVERSUS. Identifiers: Orphanet 244, MedGen C2750790, MONDO:0013174, OMIM 613193.

Allele frequency attached by ClinVar (database versions not stated): ExAC 0.00006; gnomAD 0.00007 and 0.00008; TOPMed 0.00007; ESP Exome Variant Server 0.00008.
gnomAD v4.1: 103 of 1,613,742 alleles (0.0064%); highest among the groups gnomAD compares: Non-Finnish European, 0.0083%; no homozygotes.

Submissions (4):

Ambry Genetics
Classification: Uncertain significance for Primary ciliary dyskinesia. Last evaluated: 2025-11-20. Review status: criteria provided, single submitter. Criteria: Ambry Variant Classification Scheme 2023. Collection method: clinical testing. Allele origin: germline.

Labcorp Genetics (formerly Invitae), Labcorp
Classification: Uncertain significance for Primary ciliary dyskinesia. Last evaluated: 2024-10-26. Review status: criteria provided, single submitter. Criteria: Invitae Variant Classification Sherloc (09022015). Collection method: clinical testing. Allele origin: germline.
Comment: This sequence change replaces phenylalanine, which is neutral and non-polar, with leucine, which is neutral and non-polar, at codon 719 of the DNAAF1 protein (p.Phe719Leu). This variant is present in population databases (rs201263027, gnomAD 0.02%). This variant has not been reported in the literature in individuals affected with DNAAF1-related conditions. ClinVar contains an entry for this variant (Variation ID: 846924). An algorithm developed to predict the effect of missense changes on protein structure and function outputs the following: PolyPhen-2: "Benign". The leucine amino acid residue is found in multiple mammalian species, which suggests that this missense change does not adversely affect protein function. In summary, the available evidence is currently insufficient to determine the role of this variant in disease. Therefore, it has been classified as a Variant of Uncertain Significance.

Fulgent Genetics
Classification: Uncertain significance for Primary ciliary dyskinesia 13. Last evaluated: 2022-02-25. Review status: criteria provided, single submitter. Criteria: ACMG Guidelines, 2015. Collection method: clinical testing. Allele origin: unknown.

Illumina Laboratory Services, Illumina
Classification: Uncertain significance for Primary ciliary dyskinesia 13. Last evaluated: 2018-01-13. Review status: criteria provided, single submitter. Criteria: ICSL Variant Classification Criteria 13 December 2019. Collection method: clinical testing. Allele origin: germline.